The following is an entry in ClinVar:

ClinVar aggregate classification (germline): Uncertain significance. Review status: criteria provided, multiple submitters, no conflicts (2 of 4 stars). 2 submissions from 2 submitters: Uncertain significance (2). Last evaluated 2025-04-29.

Conditions:
Glutathione synthetase deficiency with 5-oxoprolinuria. Also called: Gluthathione synthetase deficiency; 5-OXOPROLINURIA DUE TO GLUTATHIONE SYNTHETASE DEFICIENCY; Reduced glutathione synthetase level; PYROGLUTAMIC ACIDURIA; 5-Oxoprolinuria. Identifiers: Orphanet 289846, MedGen C0398746, MONDO:0009947, OMIM 266130, HP:0003343.
Inborn genetic diseases. Identifiers: MedGen C0950123, MeSH D030342.

Allele frequency attached by ClinVar (database versions not stated): TOPMed below 0.00001.

Submissions (2):

Labcorp Genetics (formerly Invitae), Labcorp
Classification: Uncertain significance for Glutathione synthetase deficiency with 5-oxoprolinuria. Last evaluated: 2025-04-29. Review status: criteria provided, single submitter. Criteria: Invitae Variant Classification Sherloc (09022015). Collection method: clinical testing. Allele origin: germline.
Comment: This sequence change replaces lysine, which is basic and polar, with threonine, which is neutral and polar, at codon 213 of the GSS protein (p.Lys213Thr). This variant is not present in population databases (gnomAD no frequency). This variant has not been reported in the literature in individuals affected with GSS-related conditions. ClinVar contains an entry for this variant (Variation ID: 1061136). Invitae Evidence Modeling of protein sequence and biophysical properties (such as structural, functional, and spatial information, amino acid conservation, physicochemical variation, residue mobility, and thermodynamic stability) indicates that this missense variant is not expected to disrupt GSS protein function with a negative predictive value of 80%. In summary, the available evidence is currently insufficient to determine the role of this variant in disease. Therefore, it has been classified as a Variant of Uncertain Significance.

Ambry Genetics
Classification: Uncertain significance for Inborn genetic diseases. Last evaluated: 2024-06-30. Review status: criteria provided, single submitter. Criteria: Ambry Variant Classification Scheme 2023. Collection method: clinical testing. Allele origin: germline.

NM_000178.4(GSS):c.638A>C (p.Lys213Thr)

Gene: GSS (glutathione synthetase; minus strand). Cytogenetic location: 20q11.22.
Variant type: single nucleotide variant.
Coding change: c.638A>C on transcript NM_000178.4 (MANE Select); coding-DNA position 638, A replaced by C.
Protein change: p.Lys213Thr; replaces lysine 213 with threonine.
Molecular consequence: missense variant.
Genome position (GRCh38, 1-based): chr20:34,936,994, T>G on the plus strand (A>C on the coding strand, the complement: GSS is on the minus strand). VCF-style: chr20-34936994-T-G. GRCh37 (hg19) VCF-style: chr20-33524797-T-G.
Other names: c.638A>C, p.Lys213Thr (NM_001322494.1, NM_001322495.1); c.638A>C (NM_000178.2); short protein forms K213T.
Identifiers: ClinVar variation 1061136 (VCV001061136.10), dbSNP rs1430307547, ClinGen allele CA408702865.